The following is an entry in ClinVar:

NM_152866.3(MS4A1):c.473A>T (p.His158Leu)

Gene: MS4A1 (membrane spanning 4-domains A1; plus strand). Cytogenetic location: 11q12.2.
Variant type: single nucleotide variant.
Coding change: c.473A>T on transcript NM_152866.3 (MANE Select); coding-DNA position 473, A replaced by T.
Protein change: p.His158Leu; replaces histidine 158 with leucine.
Molecular consequence: missense variant.
Genome position (GRCh38, 1-based): chr11:60,466,057, A>T. VCF-style: chr11-60466057-A-T. GRCh37 (hg19) VCF-style: chr11-60233530-A-T.
Other names: c.473A>T, p.His158Leu (NM_021950.4, NM_152867.2); short protein forms H158L.
Identifiers: ClinVar variation 4798871 (VCV004798871.1).

ClinVar aggregate classification (germline): Uncertain significance (1 of 4 stars; one submission).

gnomAD v4.1: 2 of 1,613,890 alleles (0.00012%); highest among the groups gnomAD compares: Non-Finnish European, 0.00017%; no homozygotes.

Submission:

Labcorp Genetics (formerly Invitae), Labcorp
Classification: Uncertain significance. Last evaluated: 2025-06-14. Review status: criteria provided, single submitter. Criteria: Invitae Variant Classification Sherloc (09022015). Collection method: clinical testing. Allele origin: germline.
Comment: This sequence change replaces histidine, which is basic and polar, with leucine, which is neutral and non-polar, at codon 158 of the MS4A1 protein (p.His158Leu). This variant is not present in population databases (gnomAD no frequency). This variant has not been reported in the literature in individuals affected with MS4A1-related conditions. An algorithm developed to predict the effect of missense changes on protein structure and function (PolyPhen-2) suggests that this variant is likely to be tolerated. In summary, the available evidence is currently insufficient to determine the role of this variant in disease. Therefore, it has been classified as a Variant of Uncertain Significance.